The following is an entry in ClinVar:

NM_015089.4(CUL9):c.4957C>G (p.Gln1653Glu)

Gene: CUL9 (cullin 9; plus strand). Cytogenetic location: 6p21.1.
Variant type: single nucleotide variant.
Coding change: c.4957C>G on transcript NM_015089.4 (MANE Select); coding-DNA position 4957, C replaced by G.
Protein change: p.Gln1653Glu; replaces glutamine 1653 with glutamic acid.
Molecular consequence: missense variant.
Genome position (GRCh38, 1-based): chr6:43,206,170, C>G. VCF-style: chr6-43206170-C-G. GRCh37 (hg19) VCF-style: chr6-43173908-C-G.
Other names: c.4957C>G (NM_015089.3); short protein forms Q1653E.
Identifiers: ClinVar variation 2656585 (VCV002656585.25), dbSNP rs142418416, ClinGen allele CA3818266.

ClinVar aggregate classification (germline): Likely benign. Review status: criteria provided, single submitter (1 of 4 stars). 2 submissions from 2 submitters: Likely benign (1). 1 of the submissions does not count toward it. Last evaluated 2023-01-01.

Conditions:
CUL9-related disorder. Also called: CUL9-related condition.

Allele frequency attached by ClinVar (database versions not stated): ESP Exome Variant Server 0.00354; 1000 Genomes Project 30x 0.00390; 1000 Genomes Project 0.00419; TOPMed 0.00623; gnomAD 0.00678; ExAC 0.00730; gnomAD exomes 0.00889.
gnomAD v4.1: 13,987 of 1,613,770 alleles (0.87%); highest among the groups gnomAD compares: Middle Eastern, 1.1%; 82 homozygotes.

Submissions (2):

CeGaT Center for Human Genetics Tuebingen
Classification: Likely benign. Last evaluated: 2023-01-01. Review status: criteria provided, single submitter. Criteria: CeGaT Center For Human Genetics Tuebingen Variant Classification Criteria Version 2. Collection method: clinical testing. Allele origin: germline. Affected: yes. Observed: 1 variant allele.
Comment: CUL9: BP4, BS2

PreventionGenetics, part of Exact Sciences
Classification: Benign for CUL9-related condition. Last evaluated: 2019-02-26. Review status: no assertion criteria provided. Collection method: clinical testing. Allele origin: germline. Not counted in ClinVar's aggregate classification.
Comment: This variant is classified as benign based on ACMG/AMP sequence variant interpretation guidelines (Richards et al. 2015 PMID: 25741868, with internal and published modifications).